The following is an entry in ClinVar:

ClinVar aggregate classification (germline): Uncertain significance (1 of 4 stars; one submission).

Conditions:
Autosomal dominant limb-girdle muscular dystrophy type 1D (DNAJB6) (LGMDD1). Also called: MUSCULAR DYSTROPHY, LIMB-GIRDLE, TYPE 1D; MUSCULAR DYSTROPHY, AUTOSOMAL DOMINANT, WITH RIMMED VACUOLES; Autosomal dominant limb-girdle muscular dystrophy type 1D; Muscular dystrophy, limb-girdle, autosomal dominant 1. Identifiers: Orphanet 34516, MedGen C4721885, MONDO:0021018, OMIM 603511.

Submission:

Labcorp Genetics (formerly Invitae), Labcorp
Classification: Uncertain significance for Autosomal dominant limb-girdle muscular dystrophy type 1D (DNAJB6). Last evaluated: 2026-02-01. Review status: criteria provided, single submitter. Criteria: Invitae Variant Classification Sherloc (09022015). Collection method: clinical testing. Allele origin: germline.
Comment: This sequence change replaces threonine, which is neutral and polar, with serine, which is neutral and polar, at codon 195 of the DNAJB6 protein (p.Thr195Ser). This variant is not present in population databases (gnomAD no frequency). This variant has not been reported in the literature in individuals affected with DNAJB6-related conditions. Invitae Evidence Modeling of protein sequence and biophysical properties (such as structural, functional, and spatial information, amino acid conservation, physicochemical variation, residue mobility, and thermodynamic stability) indicates that this missense variant is not expected to disrupt DNAJB6 protein function with a negative predictive value of 80%. In summary, the available evidence is currently insufficient to determine the role of this variant in disease. Therefore, it has been classified as a Variant of Uncertain Significance.

NM_058246.4(DNAJB6):c.583A>T (p.Thr195Ser)

Gene: DNAJB6 (DnaJ heat shock protein family (Hsp40) member B6; plus strand). Cytogenetic location: 7q36.3.
Variant type: single nucleotide variant.
Coding change: c.583A>T on transcript NM_058246.4 (MANE Select); coding-DNA position 583, A replaced by T.
Protein change: p.Thr195Ser; replaces threonine 195 with serine.
Molecular consequence: missense variant. On other transcripts: intron variant (1).
Genome position (GRCh38, 1-based): chr7:157,384,971, A>T. VCF-style: chr7-157384971-A-T. GRCh37 (hg19) VCF-style: chr7-157177665-A-T.
Other names: c.583A>T, p.Thr195Ser (NM_005494.3); c.346+17488A>T (NM_001363676.1); short protein forms T195S.
Identifiers: ClinVar variation 4739997 (VCV004739997.1).